The following is an entry in ClinVar:

ClinVar aggregate classification (germline): Uncertain significance. Review status: criteria provided, multiple submitters, no conflicts (2 of 4 stars). 2 submissions from 2 submitters: Uncertain significance (2). Last evaluated 2025-04-24.

Allele frequency attached by ClinVar (database versions not stated): gnomAD exomes below 0.00001 and 0.00002; gnomAD 0.00001; TOPMed 0.00002.
gnomAD v4.1: 27 of 1,613,988 alleles (0.0017%); highest among the groups gnomAD compares: Non-Finnish European, 0.0023%; no homozygotes.

Submissions (2):

Labcorp Genetics (formerly Invitae), Labcorp
Classification: Uncertain significance. Last evaluated: 2025-04-24. Review status: criteria provided, single submitter. Criteria: Invitae Variant Classification Sherloc (09022015). Collection method: clinical testing. Allele origin: germline.
Comment: This sequence change replaces cysteine, which is neutral and slightly polar, with tryptophan, which is neutral and slightly polar, at codon 878 of the MTTP protein (p.Cys878Trp). This variant is present in population databases (no rsID available, gnomAD 0.0009%). This variant has not been reported in the literature in individuals affected with MTTP-related conditions. ClinVar contains an entry for this variant (Variation ID: 809641). Invitae Evidence Modeling of protein sequence and biophysical properties (such as structural, functional, and spatial information, amino acid conservation, physicochemical variation, residue mobility, and thermodynamic stability) indicates that this missense variant is expected to disrupt MTTP protein function with a positive predictive value of 80%. In summary, the available evidence is currently insufficient to determine the role of this variant in disease. Therefore, it has been classified as a Variant of Uncertain Significance.

CeGaT Center for Human Genetics Tuebingen
Classification: Uncertain significance. Last evaluated: 2018-06-01. Review status: criteria provided, single submitter. Criteria: CeGaT Center For Human Genetics Tuebingen Variant Classification Criteria Version 2. Collection method: clinical testing. Allele origin: germline. Affected: yes. Observed: 1 variant allele.

NM_001386140.1(MTTP):c.2634C>G (p.Cys878Trp)

Gene: MTTP (microsomal triglyceride transfer protein; plus strand). Cytogenetic location: 4q23.
Variant type: single nucleotide variant.
Coding change: c.2634C>G on transcript NM_001386140.1 (MANE Select); coding-DNA position 2634, C replaced by G.
Protein change: p.Cys878Trp; replaces cysteine 878 with tryptophan.
Molecular consequence: missense variant.
Genome position (GRCh38, 1-based): chr4:99,622,797, C>G. VCF-style: chr4-99622797-C-G. GRCh37 (hg19) VCF-style: chr4-100543954-C-G.
Other names: c.2634C>G, p.Cys878Trp (NM_000253.4); c.2385C>G, p.Cys795Trp (NM_001300785.2); short protein forms C878W, C795W.
Identifiers: ClinVar variation 809641 (VCV000809641.46), dbSNP rs1358351283, ClinGen allele CA357520619.